The following is an entry in ClinVar:

ClinVar aggregate classification (germline): Conflicting classifications of pathogenicity. Review status: criteria provided, conflicting classifications (1 of 4 stars). 6 submissions from 6 submitters: Uncertain significance (1); Benign (2); Likely benign (1). 2 of the submissions do not count toward it. Last evaluated 2026-01-28.

Conditions:
HSD3B2-related disorder. Also called: HSD3B2-related condition.
3 beta-Hydroxysteroid dehydrogenase deficiency. Also called: 3b-hydroxysteroid dehydrogenase deficiency; Congenital adrenal hyperplasia due to 3-beta-hydroxysteroid dehydrogenase deficiency; 3-BETA-HSD DEFICIENCY; ADRENAL HYPERPLASIA II; ADRENAL HYPERPLASIA, CONGENITAL, DUE TO 3-BETA-HYDROXYSTEROID DEHYDROGENASE 2 DEFICIENCY. Identifiers: Orphanet 90791, MedGen C0342471, MeSH C538236, MONDO:0008727, OMIM 201810. Disease mechanism: loss of function.

Allele frequency attached by ClinVar (database versions not stated): gnomAD exomes 0.00131 and 0.00304; gnomAD 0.01309 and 0.01207; ESP Exome Variant Server 0.01445; ExAC 0.00369; 1000 Genomes Project 0.01238; 1000 Genomes Project 30x 0.01265; TOPMed 0.01346.
gnomAD v4.1: 3,844 of 1,614,096 alleles (0.24%); highest among the groups gnomAD compares: African/African-American, 4.2%; 72 homozygotes.

Submissions (6):

Labcorp Genetics (formerly Invitae), Labcorp
Classification: Benign. Last evaluated: 2026-01-28. Review status: criteria provided, single submitter. Criteria: Invitae Variant Classification Sherloc (09022015). Collection method: clinical testing. Allele origin: germline.

GeneDx
Classification: Likely benign. Last evaluated: 2020-08-24. Review status: criteria provided, single submitter. Criteria: GeneDx Variant Classification Process June 2021. Collection method: clinical testing. Allele origin: germline. Affected: yes.
Comment: This variant is associated with the following publications: (PMID: 31611844, 9719627, 20981092, 10599696, 22995991, 11196452)

Women's Health and Genetics/Laboratory Corporation of America, LabCorp
Classification: Benign. Last evaluated: 2020-07-14. Review status: criteria provided, single submitter. Criteria: LabCorp Variant Classification Summary - May 2015. Collection method: curation, clinical testing. Allele origin: germline. Inheritance: Autosomal recessive inheritance. Affected: yes. Observed: 1 variant allele.
Comment: Variant Summary: HSD3B2 c.707T>C (p.Leu236Ser) results in a non-conservative amino acid change located in the 3-beta hydroxysteroid dehydrogenase/isomerase domain (IPR002225) of the encoded protein sequence. Four of five in-silico tools predict a benign effect of the variant on protein function. The variant allele was found at a frequency of 0.003 in 250862 control chromosomes, predominantly at a frequency of 0.042 within the African or African-American subpopulation in the gnomAD database, including 15 homozygotes. The observed variant frequency within African or African-American control individuals in the gnomAD database is approximately 33 fold of the estimated maximal expected allele frequency for a pathogenic variant in HSD3B2 causing Congenital Adrenal Hyperplasia phenotype (0.0013), strongly suggesting that the variant is a benign polymorphism found primarily in populations of African or African-American origin. c.707T>C has been reported in the literature in individuals affected with nonsalt wasting form of classical 3 beta HSD deficiency, hyperandrogenic adolescents, children with primary public hair and autoimmune Addison's disease patients (Nayak_1998, Moisan_1999, Aslaksen_2019). These reports however, do not provide unequivocal conclusions about association of the variant with Congenital Adrenal Hyperplasia. At least one publication reports experimental evidence evaluating an impact on protein function and the results showed no damaging effect of this variant on the kinetic properties and activity of 3 beta hydroxysteroid dehydrogenase enzyme (Moisan_1999). Two ClinVar submitters (evaluation after 2014) cite the variant as uncertain significance (n=1) or benign (n=1). Based on the evidence outlined above, the variant was re-classified as benign.

Illumina Laboratory Services, Illumina
Classification: Uncertain significance for 3 beta-Hydroxysteroid dehydrogenase deficiency. Last evaluated: 2017-04-27. Review status: criteria provided, single submitter. Criteria: ICSL Variant Classification Criteria 13 December 2019. Collection method: clinical testing. Allele origin: germline.
Comment: This variant was observed as part of a predisposition screen in an ostensibly healthy population. A literature search was performed for the gene, cDNA change, and amino acid change (where applicable). Publications were found based on this search. However, the evidence from the literature, in combination with allele frequency data from public databases where available, was not sufficient to rule this variant in or out of causing disease. Therefore, this variant is classified as a variant of unknown significance.

Natera, Inc.
Classification: Benign for 3 beta hydroxysteroid dehydrogenase deficiency. Last evaluated: 2019-11-14. Review status: no assertion criteria provided. Collection method: clinical testing. Allele origin: germline. Not counted in ClinVar's aggregate classification.

PreventionGenetics, part of Exact Sciences
Classification: Benign for HSD3B2-related condition. Last evaluated: 2019-07-02. Review status: no assertion criteria provided. Collection method: clinical testing. Allele origin: germline. Not counted in ClinVar's aggregate classification.
Comment: This variant is classified as benign based on ACMG/AMP sequence variant interpretation guidelines (Richards et al. 2015 PMID: 25741868, with internal and published modifications).

Literature cited by the submitters: PubMed 14966389 (cited by Women's Health and Genetics/Laboratory Corporation of America, LabCorp); PubMed 9719627 (cited by Women's Health and Genetics/Laboratory Corporation of America, LabCorp and Illumina Laboratory Services, Illumina); PubMed 16648810 (cited by Women's Health and Genetics/Laboratory Corporation of America, LabCorp); PubMed 10486704 (cited by Women's Health and Genetics/Laboratory Corporation of America, LabCorp); PubMed 10599696 (cited by Women's Health and Genetics/Laboratory Corporation of America, LabCorp and Illumina Laboratory Services, Illumina); PubMed 31611844 (cited by Women's Health and Genetics/Laboratory Corporation of America, LabCorp).

NM_000198.4(HSD3B2):c.707T>C (p.Leu236Ser)

Gene: HSD3B2 (hydroxy-delta-5-steroid dehydrogenase, 3 beta- and steroid delta-isomerase 2; plus strand). Cytogenetic location: 1p12.
Variant type: single nucleotide variant.
Coding change: c.707T>C on transcript NM_000198.4 (MANE Select); coding-DNA position 707, T replaced by C.
Protein change: p.Leu236Ser; replaces leucine 236 with serine.
Molecular consequence: missense variant.
Genome position (GRCh38, 1-based): chr1:119,422,208, T>C. VCF-style: chr1-119422208-T-C. GRCh37 (hg19) VCF-style: chr1-119964831-T-C.
Other names: c.707T>C, p.Leu236Ser (NM_001166120.2); short protein forms L236S.
Identifiers: ClinVar variation 36370 (VCV000036370.25), dbSNP rs35887327, ClinGen allele CA214012.